The following is an entry in ClinVar:

ClinVar aggregate classification (germline): Pathogenic (1 of 4 stars; one submission).

Submission:

Labcorp Genetics (formerly Invitae), Labcorp
Classification: Pathogenic. Last evaluated: 2021-03-16. Review status: criteria provided, single submitter. Criteria: Invitae Variant Classification Sherloc (09022015). Collection method: clinical testing. Allele origin: germline.
Comment: For these reasons, this variant has been classified as Pathogenic. This variant has not been reported in the literature in individuals with INPPL1-related conditions. The frequency data for this variant in the population databases is considered unreliable, as metrics indicate poor data quality at this position in the ExAC database. This sequence change creates a premature translational stop signal (p.Pro977Thrfs*7) in the INPPL1 gene. It is expected to result in an absent or disrupted protein product. Loss-of-function variants in INPPL1 are known to be pathogenic (PMID: 23273567, 23273569).

Literature cited by the submitters: PubMed 23273567; PubMed 23273569.

NM_001567.4(INPPL1):c.2927dup (p.Pro977fs)

Gene: INPPL1 (inositol polyphosphate phosphatase like 1; plus strand). Cytogenetic location: 11q13.4.
Variant type: Duplication.
Coding change: c.2927dup on transcript NM_001567.4 (MANE Select); coding-DNA position 2927, one base duplicated (C; older notation c.2927dupC).
Protein change: p.Pro977fs; shifts the reading frame from proline 977.
Molecular consequence: frameshift variant.
Genome position (GRCh38, 1-based): chr11:72,237,171, C duplicated; the last of 7 consecutive C bases (chr11:72,237,165-72,237,171); duplicating any one gives the same sequence. VCF-style (leftmost placement, unchanged base first): chr11-72237164-G-GC. GRCh37 (hg19) VCF-style: chr11-71948208-G-GC.
Other names: short protein forms P977fs.
Identifiers: ClinVar variation 1454034 (VCV001454034.6), dbSNP rs749079348, ClinGen allele CA6170518.